The following is an entry in ClinVar:

NM_006005.3(WFS1):c.2322G>A (p.Lys774=)

Gene: WFS1 (wolframin ER transmembrane glycoprotein; plus strand). Cytogenetic location: 4p16.1.
Variant type: single nucleotide variant.
Coding change: c.2322G>A on transcript NM_006005.3 (MANE Select); coding-DNA position 2322, G replaced by A.
Protein change: p.Lys774=; no amino-acid change (lysine 774 retained).
Molecular consequence: synonymous variant.
Genome position (GRCh38, 1-based): chr4:6,302,117, G>A. VCF-style: chr4-6302117-G-A. GRCh37 (hg19) VCF-style: chr4-6303844-G-A.
Other names: p.K774K:AAG>AAA; p.Lys774=; c.2322G>A, p.Lys774= (NM_001145853.1).
Identifiers: ClinVar variation 45452 (VCV000045452.41), dbSNP rs2230721, ClinGen allele CA282582.
Genomic context (GRCh38, chr4:6,302,117, plus strand): 5'-CTGTCGCCTTAAGCTGCTGGCCAAGCACCCCTGCCACATCAAGAAGTTCGACCGCTACAA[G>A]TTTGAGATTACCGTGGGCATGCCATTCAGCAGCGGCGCTGACGGCTCGCGCAGCCGCGAG-3'
Protein context (NP_005996.2, residues 764-784): PCHIKKFDRY[Lys774=]FEITVGMPFS

ClinVar aggregate classification (germline): Benign. Review status: criteria provided, multiple submitters, no conflicts (2 of 4 stars). 13 submissions from 12 submitters: Benign (12). 1 of the submissions does not count toward it. Last evaluated 2026-02-03.

Conditions:
WFS1-Related Spectrum Disorders.
Wolfram syndrome 1 (WFS1). Identifiers: Orphanet 3463, MedGen C4551693, MONDO:0009101, OMIM 222300.
Autosomal dominant nonsyndromic hearing loss 6 (LFSNHL). Also called: DEAFNESS, AUTOSOMAL DOMINANT 6; DEAFNESS, AUTOSOMAL DOMINANT 14; DEAFNESS, AUTOSOMAL DOMINANT 38; Autosomal dominant nonsyndromic deafness 6. Identifiers: Orphanet 90635, MedGen C1833021, MONDO:0010963, OMIM 600965.

Allele frequency attached by ClinVar (database versions not stated): 1000 Genomes Project 0.05791; 1000 Genomes Project 30x 0.06106; gnomAD exomes 0.06344 and 0.07395; ExAC 0.06671; gnomAD 0.06806 and 0.06809; TOPMed 0.06975; ESP Exome Variant Server 0.07112.
gnomAD v4.1: 118,347 of 1,612,924 alleles (7.3%); highest among the groups gnomAD compares: Middle Eastern, 12%; 4,881 homozygotes.

Submissions (13):

Labcorp Genetics (formerly Invitae), Labcorp
Classification: Benign. Last evaluated: 2026-02-03. Review status: criteria provided, single submitter. Criteria: Invitae Variant Classification Sherloc (09022015). Collection method: clinical testing. Allele origin: germline.

ARUP Laboratories, Molecular Genetics and Genomics, ARUP Laboratories
Classification: Benign. Last evaluated: 2025-06-27. Review status: criteria provided, single submitter. Criteria: ARUP Molecular Germline Variant Investigation Process 2024. Collection method: clinical testing. Allele origin: germline.

Blueprint Genetics
Classification: Benign. Last evaluated: 2024-11-26. Review status: criteria provided, single submitter. Criteria: ACMG Guidelines, 2015. Collection method: clinical testing. Allele origin: germline.

Mayo Clinic Laboratories, Mayo Clinic
Classification: Benign. Last evaluated: 2022-03-24. Review status: criteria provided, single submitter. Criteria: ACMG Guidelines, 2015. Collection method: clinical testing. Allele origin: germline. Observed: 91 variant alleles.

Illumina Laboratory Services, Illumina
Classification: Benign for WFS1-Related Spectrum Disorders. Last evaluated: 2018-01-13. Review status: criteria provided, single submitter. Criteria: ICSL Variant Classification Criteria 13 December 2019. Collection method: clinical testing. Allele origin: germline.
Comment: This variant was observed in the ICSL laboratory as part of a predisposition screen in an ostensibly healthy population. It had not been previously curated by ICSL or reported in the Human Gene Mutation Database (HGMD: prior to June 1st, 2018), and was therefore a candidate for classification through an automated scoring system. Utilizing variant allele frequency, disease prevalence and penetrance estimates, and inheritance mode, an automated score was calculated to assess if this variant is too frequent to cause the disease. Based on the score and internal cut-off values, a variant classified as benign is not then subjected to further curation. The score for this variant resulted in a classification of benign for this disease.

Illumina Laboratory Services, Illumina
Classification: Benign for Autosomal dominant nonsyndromic hearing loss 6. Last evaluated: 2018-01-13. Review status: criteria provided, single submitter. Criteria: ICSL Variant Classification Criteria 13 December 2019. Collection method: clinical testing. Allele origin: germline.
Comment: the same text as in the submission from Illumina Laboratory Services, Illumina above.

Eurofins Ntd Llc (ga)
Classification: Benign. Last evaluated: 2013-11-20. Review status: criteria provided, single submitter. Criteria: EGL Classification Definitions 2015. Collection method: clinical testing. Allele origin: germline. Observed: 7 variant alleles, 7 heterozygotes.

GeneDx
Classification: Benign. Last evaluated: 2012-05-22. Review status: criteria provided, single submitter. Criteria: GeneDx Variant Classification (06012015). Collection method: clinical testing. Allele origin: germline. Affected: yes.
Comment: This variant is considered likely benign or benign based on one or more of the following criteria: it is a conservative change, it occurs at a poorly conserved position in the protein, it is predicted to be benign by multiple in silico algorithms, and/or has population frequency not consistent with disease.

Laboratory for Molecular Medicine, Mass General Brigham Personalized Medicine
Classification: Benign. Last evaluated: 2012-05-07. Review status: criteria provided, single submitter. Criteria: LMM Criteria. Collection method: clinical testing. Allele origin: germline. Observed: 181 variant alleles.
Comment: "Lys774Lys in Exon 08 of WFS1: This variant is not expected to have clinical sig nificance because it does not alter an amino acid residue, is not located within the splice consensus sequence, and has been identified in 7.3% (273/3734) of Af rican American chromosomes from a broad population by the NHLBI Exome Sequencing Project (dbSNP rs2230721)."

Breakthrough Genomics
Classification: Benign. Review status: criteria provided, single submitter. Criteria: ACMG Guidelines, 2015. Collection method: not provided. Allele origin: germline. Inheritance: Autosomal recessive inheritance. Affected: yes.

Clinical Genomics, Uppaluri K&H Personalized Medicine Clinic
Classification: Benign for Wolfram syndrome 1. Review status: criteria provided, single submitter. Criteria: K & H Uppaluri Personalized Medicine Clinic Variant Classification & Assertion Criteria_Updated V.1. Collection method: research. Allele origin: unknown. Inheritance: Autosomal recessive inheritance.
Comment: Potent mutations in WFS1 gene are associated with Wolfram's syndrome, an autosomal recessive condition, which cause diabetes mellitus, diabetes insipidus, deafness and optic atrophy.However no sufficient evidence is found to ascertain the role of this particular variant rs2230721 yet.

PreventionGenetics, part of Exact Sciences
Classification: Benign. Review status: criteria provided, single submitter. Criteria: ACMG Guidelines, 2015. Collection method: clinical testing. Allele origin: germline.

Genetic Services Laboratory, University of Chicago
Classification: Likely benign for AllHighlyPenetrant. Review status: no assertion criteria provided. Collection method: clinical testing. Allele origin: germline. Inheritance: Autosomal recessive inheritance. Not counted in ClinVar's aggregate classification.
Comment: Likely benign based on allele frequency in 1000 Genomes Project or ESP global frequency and its presence in a patient with a rare or unrelated disease phenotype. NOT Sanger confirmed.

Literature cited by the submitters: PubMed 20738327 (cited by Clinical Genomics, Uppaluri K&H Personalized Medicine Clinic); PubMed 33879153 (cited by Clinical Genomics, Uppaluri K&H Personalized Medicine Clinic); PubMed 12955714 (cited by Clinical Genomics, Uppaluri K&H Personalized Medicine Clinic); PubMed 18060660 (cited by Clinical Genomics, Uppaluri K&H Personalized Medicine Clinic); PubMed 20301750 (cited by Clinical Genomics, Uppaluri K&H Personalized Medicine Clinic); PubMed 17603484 (cited by Clinical Genomics, Uppaluri K&H Personalized Medicine Clinic).